The following is an entry in ClinVar:

NM_001349206.2(LPIN1):c.2242G>T (p.Val748Leu)

Gene: LPIN1 (lipin 1; plus strand). Cytogenetic location: 2p25.1.
Variant type: single nucleotide variant.
Coding change: c.2242G>T on transcript NM_001349206.2 (MANE Select); coding-DNA position 2242, G replaced by T.
Protein change: p.Val748Leu; replaces valine 748 with leucine.
Molecular consequence: missense variant. On other transcripts: non-coding transcript variant (1).
Genome position (GRCh38, 1-based): chr2:11,805,149, G>T. VCF-style: chr2-11805149-G-T. GRCh37 (hg19) VCF-style: chr2-11945275-G-T.
Other names: c.2152G>T, p.Val718Leu (NM_001261427.3); c.2389G>T, p.Val797Leu (NM_001261428.3); c.2134G>T, p.Val712Leu (NM_001349199.2, NM_145693.4); c.2212G>T, p.Val738Leu (NM_001349200.2, NM_001349201.2); c.2239G>T, p.Val747Leu (NM_001349202.2, NM_001349203.2); c.2242G>T, p.Val748Leu (NM_001349204.2, NM_001349205.2); c.2332G>T, p.Val778Leu (NM_001349207.2); c.2281G>T, p.Val761Leu (NM_001349208.2); short protein forms V712L, V761L, V778L, V748L, V718L, V797L, V738L, V747L.
Identifiers: ClinVar variation 2195174 (VCV002195174.2), dbSNP rs148988369, ClinGen allele CA1534037.

ClinVar aggregate classification (germline): Uncertain significance. Review status: criteria provided, multiple submitters, no conflicts (2 of 4 stars). 2 submissions from 2 submitters: Uncertain significance (2). Last evaluated 2024-02-03.

Conditions:
Myoglobinuria, acute recurrent, autosomal recessive. Also called: Myoglobinuria, recurrent, autosomal recessive; RHABDOMYOLYSIS, ACUTE RECURRENT; MYOGLOBINURIA, FAMILIAL PAROXYSMAL PARALYTIC. Identifiers: Orphanet 99845, MedGen C1849386, MONDO:0009992, OMIM 268200.

Allele frequency attached by ClinVar (database versions not stated): ExAC 0.00001; gnomAD 0.00001; gnomAD exomes 0.00003; TOPMed 0.00003; ESP Exome Variant Server 0.00008.
gnomAD v4.1: 49 of 1,612,854 alleles (0.003%); highest among the groups gnomAD compares: Non-Finnish European, 0.0039%; no homozygotes.

Submissions (2):

Fulgent Genetics
Classification: Uncertain significance for Myoglobinuria, acute recurrent, autosomal recessive. Last evaluated: 2024-02-03. Review status: criteria provided, single submitter. Criteria: ACMG Guidelines, 2015. Collection method: clinical testing. Allele origin: germline.

Labcorp Genetics (formerly Invitae), Labcorp
Classification: Uncertain significance. Last evaluated: 2022-10-03. Review status: criteria provided, single submitter. Criteria: Invitae Variant Classification Sherloc (09022015). Collection method: clinical testing. Allele origin: germline.
Comment: This sequence change replaces valine, which is neutral and non-polar, with leucine, which is neutral and non-polar, at codon 712 of the LPIN1 protein (p.Val712Leu). This variant is present in population databases (rs148988369, gnomAD 0.003%). This variant has not been reported in the literature in individuals affected with LPIN1-related conditions. Advanced modeling of protein sequence and biophysical properties (such as structural, functional, and spatial information, amino acid conservation, physicochemical variation, residue mobility, and thermodynamic stability) performed at Invitae indicates that this missense variant is expected to disrupt LPIN1 protein function. In summary, the available evidence is currently insufficient to determine the role of this variant in disease. Therefore, it has been classified as a Variant of Uncertain Significance.